The following is an entry in ClinVar:

ClinVar aggregate classification (germline): Uncertain significance (1 of 4 stars; one submission).

Conditions:
STAT3 gain of function. Identifiers: MedGen C4288261.
Hyper-IgE recurrent infection syndrome 1, autosomal dominant. Also called: STAT3 Hyper IgE Syndrome; HYPER-IgE SYNDROME 1, AUTOSOMAL DOMINANT, WITH RECURRENT INFECTIONS; JOB SYNDROME; Job's Syndrome; Hyper-IgE recurrent infection syndrome 1. Identifiers: Orphanet 2314, MedGen C2936739, MONDO:0007818, OMIM 147060.

Submission:

Labcorp Genetics (formerly Invitae), Labcorp
Classification: Uncertain significance for STAT3 gain of function; Hyper-IgE recurrent infection syndrome 1, autosomal dominant. Last evaluated: 2020-11-14. Review status: criteria provided, single submitter. Criteria: Invitae Variant Classification Sherloc (09022015). Collection method: clinical testing. Allele origin: germline.
Comment: This sequence change replaces lysine with glutamic acid at codon 294 of the STAT3 protein (p.Lys294Glu). The lysine residue is moderately conserved and there is a small physicochemical difference between lysine and glutamic acid. This variant is not present in population databases (ExAC no frequency). This variant has not been reported in the literature in individuals with STAT3-related conditions. Advanced modeling of protein sequence and biophysical properties (such as structural, functional, and spatial information, amino acid conservation, physicochemical variation, residue mobility, and thermodynamic stability) performed at Invitae indicates that this missense variant is not expected to disrupt STAT3 protein function. In summary, the available evidence is currently insufficient to determine the role of this variant in disease. Therefore, it has been classified as a Variant of Uncertain Significance.

NM_139276.3(STAT3):c.880A>G (p.Lys294Glu)

Gene: STAT3 (signal transducer and activator of transcription 3; minus strand). Cytogenetic location: 17q21.2.
Variant type: single nucleotide variant.
Coding change: c.880A>G on transcript NM_139276.3 (MANE Select); coding-DNA position 880, A replaced by G.
Protein change: p.Lys294Glu; replaces lysine 294 with glutamic acid.
Molecular consequence: missense variant.
Genome position (GRCh38, 1-based): chr17:42,333,967, T>C on the plus strand (A>G on the coding strand, the complement: STAT3 is on the minus strand). VCF-style: chr17-42333967-T-C. GRCh37 (hg19) VCF-style: chr17-40485985-T-C.
Other names: c.880A>G, p.Lys294Glu (NM_001369512.1, NM_001369513.1, NM_001369514.1 and 15 more transcripts); c.802A>G, p.Lys268Glu (NM_001384985.1); c.784A>G, p.Lys262Glu (NM_001384989.1); short protein forms K294E, K262E, K268E.
Identifiers: ClinVar variation 1499549 (VCV001499549.8), dbSNP rs2144832219, ClinGen allele CA399591201.
Genomic context (GRCh38, chr17:42,333,967, plus strand): 5'-TAAACAGCTCCACGATTCTCTCCTCCAGCATCGGCCGGTGCTGTACAATGGGGTCCCCTT[T>C]GTAGGAAACTTTTTGCTGCAACTCCTCCAGTTTCTTAATTTGTTGACGGGTCTGAAGTTG-3'
Protein context (NP_644805.1, residues 284-304): LEELQQKVSY[Lys294Glu]GDPIVQHRPM